The following is an entry in ClinVar:

NM_001302998.2(LIPI):c.1296-3C>T

Gene: LIPI (lipase I; minus strand). Cytogenetic location: 21q11.2.
Variant type: single nucleotide variant.
Coding change: c.1296-3C>T on transcript NM_001302998.2 (MANE Select); 3 bases into the intron before coding-DNA position 1296, C replaced by T.
Molecular consequence: intron variant.
Genome position (GRCh38, 1-based): chr21:14,109,083, G>A on the plus strand (C>T on the coding strand, the complement: LIPI is on the minus strand). VCF-style: chr21-14109083-G-A. GRCh37 (hg19) VCF-style: chr21-15481404-G-A.
Other names: c.1161-3C>T (NM_198996.4); c.801-3C>T (NM_001379566.1); c.1206-3C>T (NM_001302999.2); c.1191-3C>T (NM_001379565.1); c.1278-3C>T (NM_001303000.2); c.1007-3C>T (NM_001303001.2).
Identifiers: ClinVar variation 3688884 (VCV003688884.2).
Genomic context (GRCh38, chr21:14,109,083, plus strand): 5'-ATTAAGAAACACTTCCTCTCTGTCTTTAAGTACAATATTATACCTGCAAAGTGGTGGTCT[G>A]AGAAAGAGAAAAATGGAGAGAACAAAAAAATAACTATTAGTAAAACAACAGAGTTGATTT-3'

ClinVar aggregate classification (germline): Uncertain significance (1 of 4 stars; one submission).

Submission:

Labcorp Genetics (formerly Invitae), Labcorp
Classification: Uncertain significance. Last evaluated: 2024-03-28. Review status: criteria provided, single submitter. Criteria: Invitae Variant Classification Sherloc (09022015). Collection method: clinical testing. Allele origin: germline.
Comment: This sequence change falls in intron 9 of the LIPI gene. It does not directly change the encoded amino acid sequence of the LIPI protein. It affects a nucleotide within the consensus splice site. This variant is not present in population databases (gnomAD no frequency). This variant has not been reported in the literature in individuals affected with LIPI-related conditions. Variants that disrupt the consensus splice site are a relatively common cause of aberrant splicing (PMID: 17576681, 9536098). Algorithms developed to predict the effect of sequence changes on RNA splicing suggest that this variant is not likely to affect RNA splicing. In summary, the available evidence is currently insufficient to determine the role of this variant in disease. Therefore, it has been classified as a Variant of Uncertain Significance.

Literature cited by the submitters: PubMed 17576681; PubMed 9536098.